The following is an entry in ClinVar:

NM_001165963.4(SCN1A):c.3935T>A (p.Ile1312Asn)

Genes: SCN1A (sodium voltage-gated channel alpha subunit 1; minus strand), LOC102724058 (uncharacterized LOC102724058; plus strand). Cytogenetic location: 2q24.3.
Variant type: single nucleotide variant.
Coding change: c.3935T>A on transcript NM_001165963.4 (MANE Select); coding-DNA position 3935, T replaced by A.
Protein change: p.Ile1312Asn; replaces isoleucine 1312 with asparagine.
Molecular consequence: missense variant. On other transcripts: non-coding transcript variant (1).
Genome position (GRCh38, 1-based): chr2:166,009,786, A>T on the plus strand (T>A on the coding strand, the complement: SCN1A is on the minus strand). VCF-style: chr2-166009786-A-T. GRCh37 (hg19) VCF-style: chr2-166866296-A-T.
Other names: c.3851T>A, p.Ile1284Asn (NM_001165964.3, NM_001353957.2, NM_001353958.2); c.3935T>A, p.Ile1312Asn (NM_001202435.3, NM_001353948.2); c.3902T>A, p.Ile1301Asn (NM_001353949.2, NM_001353950.2, NM_001353951.2 and 2 more transcripts); c.3899T>A, p.Ile1300Asn (NM_001353954.2, NM_001353955.2); c.3848T>A, p.Ile1283Asn (NM_001353960.2); c.1493T>A, p.Ile498Asn (NM_001353961.2); short protein forms I1283N, I1284N, I1300N, I1301N, I1312N, I498N.
Identifiers: ClinVar variation 4854817 (VCV004854817.1).

ClinVar aggregate classification (germline): Uncertain significance (1 of 4 stars; one submission).

Conditions:
SCN1A-related disorder. Also called: SCN1A-related disorders; SCN1A-related conditions; SCN1A-related condition.

Submission:

3billion
Classification: Uncertain significance for SCN1A-related disorder. Last evaluated: 2025-10-22. Review status: criteria provided, single submitter. Criteria: ACMG Guidelines, 2015. Collection method: clinical testing. Allele origin: germline. Affected: yes.
Comment: The variant is not observed in the gnomAD v4.1.0 dataset. Predicted Consequence/Location: Missense variant In silico tool predictions suggest damaging effect of the variant on gene or gene product [REVEL: 0.95 (>=0.6, sensitivity 0.68 and specificity 0.92); 3Cnet: 0.99 (> 0.75, sensitivity 0.96 and precision 0.92)]. Different missense changes at the same codon have been reported as of uncertain significance (ClinVar ID: VCV003717197). Therefore, this variant is classified as VUS according to the recommendation of ACMG/AMP guideline.